The following is an entry in ClinVar:

NM_053025.4(MYLK):c.2237G>A (p.Gly746Asp)

Gene: MYLK (myosin light chain kinase; minus strand). Cytogenetic location: 3q21.1.
Variant type: single nucleotide variant.
Coding change: c.2237G>A on transcript NM_053025.4 (MANE Select); coding-DNA position 2237, G replaced by A.
Protein change: p.Gly746Asp; replaces glycine 746 with aspartic acid.
Molecular consequence: missense variant.
Genome position (GRCh38, 1-based): chr3:123,707,907, C>T on the plus strand (G>A on the coding strand, the complement: MYLK is on the minus strand). VCF-style: chr3-123707907-C-T. GRCh37 (hg19) VCF-style: chr3-123426754-C-T.
Other names: c.1709G>A, p.Gly570Asp (NM_001321309.2); c.2030G>A, p.Gly677Asp (NM_053026.4, NM_053028.4); c.2237G>A, p.Gly746Asp (NM_053027.4); short protein forms G677D, G570D, G746D.
Identifiers: ClinVar variation 1935243 (VCV001935243.6), dbSNP rs765847503, ClinGen allele CA068325.

ClinVar aggregate classification (germline): Uncertain significance. Review status: criteria provided, multiple submitters, no conflicts (2 of 4 stars). 2 submissions from 2 submitters: Uncertain significance (2). Last evaluated 2025-08-20.

Conditions:
Aortic aneurysm, familial thoracic 7 (AAT7). Also called: AORTIC DISSECTION, FAMILIAL, WITH OR WITHOUT AORTIC ANEURYSM. Identifiers: MedGen C3151077, MONDO:0013418, OMIM 613780.

Allele frequency attached by ClinVar (database versions not stated): gnomAD exomes below 0.00001; TOPMed below 0.00001; ExAC 0.00001.
gnomAD v4.1: 1 of 1,614,210 alleles (0.000062%); highest among the groups gnomAD compares: Non-Finnish European, 0.000085%; no homozygotes.

Submissions (2):

Labcorp Genetics (formerly Invitae), Labcorp
Classification: Uncertain significance for Aortic aneurysm, familial thoracic 7. Last evaluated: 2025-08-20. Review status: criteria provided, single submitter. Criteria: Invitae Variant Classification Sherloc (09022015). Collection method: clinical testing. Allele origin: germline.
Comment: This sequence change replaces glycine, which is neutral and non-polar, with aspartic acid, which is acidic and polar, at codon 746 of the MYLK protein (p.Gly746Asp). This variant is present in population databases (rs765847503, gnomAD 0.0009%). This variant has not been reported in the literature in individuals affected with MYLK-related conditions. ClinVar contains an entry for this variant (Variation ID: 1935243). Invitae Evidence Modeling of protein sequence and biophysical properties (such as structural, functional, and spatial information, amino acid conservation, physicochemical variation, residue mobility, and thermodynamic stability) has been performed for this missense variant. However, the output from this modeling did not meet the statistical confidence thresholds required to predict the impact of this variant on MYLK protein function. In summary, the available evidence is currently insufficient to determine the role of this variant in disease. Therefore, it has been classified as a Variant of Uncertain Significance.

Clinical Genetics Laboratory, Skane University Hospital Lund
Classification: Uncertain significance. Last evaluated: 2023-03-08. Review status: criteria provided, single submitter. Criteria: ACMG Guidelines, 2015. Collection method: clinical testing. Allele origin: germline. Affected: yes.